The following is an entry in ClinVar:

ClinVar aggregate classification (germline): Uncertain significance. Review status: criteria provided, multiple submitters, no conflicts (2 of 4 stars). 2 submissions from 2 submitters: Uncertain significance (2). Last evaluated 2024-08-03.

Conditions:
Hypercholesterolemia, autosomal dominant, 3 (FHCL3). Also called: PCSK9-Related Familial Hypercholesterolemia, Autosomal Dominant; Familial Hypercholesterolemia, Autosomal Dominant, 3; Familial hypercholesterolemia 3. Identifiers: MedGen C1863551, MONDO:0011369, OMIM 603776.
Cardiovascular phenotype. Identifiers: MedGen CN230736.

Allele frequency attached by ClinVar (database versions not stated): gnomAD exomes below 0.00001; ExAC 0.00001.
gnomAD v4.1: 1 of 1,614,168 alleles (0.000062%); highest among the groups gnomAD compares: South Asian, 0.0011%; no homozygotes.

Submissions (2):

Ambry Genetics
Classification: Uncertain significance for Cardiovascular phenotype. Last evaluated: 2024-08-03. Review status: criteria provided, single submitter. Criteria: Ambry Variant Classification Scheme 2023. Collection method: clinical testing. Allele origin: germline.
Comment: The p.I143V variant (also known as c.427A>G), located in coding exon 3 of the PCSK9 gene, results from an A to G substitution at nucleotide position 427. The isoleucine at codon 143 is replaced by valine, an amino acid with highly similar properties. This amino acid position is conserved. In addition, this alteration is predicted to be tolerated by in silico analysis. Based on the available evidence, the clinical significance of this variant remains unclear.

All of Us Research Program, National Institutes of Health
Classification: Uncertain significance for Hypercholesterolemia, autosomal dominant, 3. Last evaluated: 2023-04-10. Review status: criteria provided, single submitter. Criteria: ACMG Guidelines, 2015. Collection method: clinical testing. Allele origin: germline. Inheritance: Autosomal dominant inheritance. Observed: 1 variant allele, 1 heterozygote.
Comment: This missense variant replaces isoleucine with valine at codon 143 of the PCSK9 protein. Computational prediction suggests that this variant may not impact protein structure and function (internally defined REVEL score threshold <= 0.5, PMID: 27666373). To our knowledge, functional studies have not been reported for this variant. This variant has not been reported in individuals affected with PCSK9-related disorders in the literature. This variant has been identified in 1/251490 chromosomes in the general population by the Genome Aggregation Database (gnomAD). The available evidence is insufficient to determine the role of this variant in disease conclusively. Therefore, this variant is classified as a Variant of Uncertain Significance.

This study involves interpretation of variants in research participants for the purpose of population health screening. Participant phenotype was not available at the time of variant classification. Additional details can be found in publication PMID: 35346344, PMCID: PMC8962531

NM_174936.4(PCSK9):c.427A>G (p.Ile143Val)

Gene: PCSK9 (proprotein convertase subtilisin/kexin type 9; plus strand). Cytogenetic location: 1p32.3.
Variant type: single nucleotide variant.
Coding change: c.427A>G on transcript NM_174936.4 (MANE Select); coding-DNA position 427, A replaced by G.
Protein change: p.Ile143Val; replaces isoleucine 143 with valine.
Molecular consequence: missense variant. On other transcripts: non-coding transcript variant (6), intron variant (1).
Genome position (GRCh38, 1-based): chr1:55,046,550, A>G. VCF-style: chr1-55046550-A-G. GRCh37 (hg19) VCF-style: chr1-55512223-A-G.
Other names: c.550A>G, p.Ile184Val (NM_001407240.1); c.427A>G, p.Ile143Val (NM_001407241.1, NM_001407242.1, NM_001407244.1 and 1 more transcripts); c.235A>G, p.Ile79Val (NM_001407245.1); c.52A>G, p.Ile18Val (NM_001407246.1); c.400-30A>G (NM_001407243.1); short protein forms I143V, I184V, I18V, I79V.
Identifiers: ClinVar variation 3070374 (VCV003070374.2), dbSNP rs746734908, ClinGen allele CA042159.
Genomic context (GRCh38, chr1:55,046,550, plus strand): 5'-AGCAGAGTCCCCCGGCCTCTCTGGCTTCTGCAGGCCTTGAAGTTGCCCCATGTCGACTAC[A>G]TCGAGGAGGACTCCTCTGTCTTTGCCCAGAGCATCCCGTGGAACCTGGAGCGGATTACCC-3'
Protein context (NP_777596.2, residues 133-153): LALKLPHVDY[Ile143Val]EEDSSVFAQS